The following is an entry in ClinVar:

ClinVar aggregate classification (somatic clinical impact): Tier II - Potential (1 of 4 stars; one submission).

Conditions:
Meningioma. Also called: Meningioma, somatic. Identifiers: Orphanet 2495, MedGen C0025286, MONDO:0016642, HP:0002858.

Submission:

Institute for Genomic Medicine (IGM) Clinical Laboratory, Nationwide Children's Hospital
Classification: Tier II - Potential for Meningioma. Assertion type: diagnostic. Clinical significance: supports diagnosis. Last evaluated: 2023-08-29. Review status: criteria provided, single submitter. Criteria: AMP/ASCO/CAP Guidelines, 2017. Collection method: clinical testing. Allele origin: somatic. Affected: yes.
Comment: Variant has Tier II (potential) clinical significance as a diagnostic inclusion criterion in meningioma, based on the following evidence: 1) Appears in one or more well-established professional guidelines (e.g., World Health Organization [WHO]; National Comprehensive Cancer Network [NCCN]) as providing diagnostic, prognostic, or therapeutic information. 2) Diagnostic significance based on multiple small studies (Evidence Level C).

NM_000268.4(NF2):c.80_100del (p.Val27_Met33del)

Gene: NF2 (NF2, moesin-ezrin-radixin like (MERLIN) tumor suppressor; plus strand). Cytogenetic location: 22q12.2.
Variant type: Deletion.
Coding change: c.80_100del on transcript NM_000268.4 (MANE Select); coding-DNA positions 80 to 100, 21 bases deleted (TCACCATGGACGCCGAGATGG).
Protein change: p.Val27_Met33del.
Molecular consequence: 5 prime UTR variant (on NM_001407053.1). On other transcripts: non-coding transcript variant (1).
Genome position (GRCh38, 1-based): chr22:29,604,078-29,604,098, TCACCATGGACGCCGAGATGG deleted; deleting any 21 consecutive bases within chr22:29,604,077-29,604,098 gives the same sequence; the c. name uses the placement nearest the transcript's 3' end. VCF-style (leftmost placement, unchanged base first): chr22-29604076-CGTCACCATGGACGCCGAGATG-C. GRCh37 (hg19) VCF-style: chr22-30000065-CGTCACCATGGACGCCGAGATG-C.
Other names: c.-151_-131del (NM_001407053.1, NM_001407056.1); c.80_100del, p.Val27_Met33del (NM_001407054.1, NM_001407055.1, NM_001407057.1 and 15 more transcripts); c.-561_-541del (NM_001407065.1); c.-177_-157del (NM_001407067.1).
Identifiers: ClinVar variation 4530428 (VCV004530428.1).
Genomic context (GRCh38, chr22:29,604,076, plus strand): 5'-TTCCCGCATGAGCTTCAGCTCTCTCAAGAGGAAGCAACCCAAGACGTTCACCGTGAGGAT[CGTCACCATGGACGCCGAGATG>C]GAGTTCAATTGCGAGGTAACCGGCCGGCAGCCCCGACTGCTGCGGTGACAGTCGAGGTGG-3'